The following is an entry in ClinVar:

NM_138694.4(PKHD1):c.1899C>T (p.Ile633=)

Gene: PKHD1 (PKHD1 ciliary IPT domain containing fibrocystin/polyductin; minus strand). Cytogenetic location: 6p12.2.
Variant type: single nucleotide variant.
Coding change: c.1899C>T on transcript NM_138694.4 (MANE Select); coding-DNA position 1899, C replaced by T.
Protein change: p.Ile633=; no amino-acid change (isoleucine 633 retained).
Molecular consequence: synonymous variant.
Genome position (GRCh38, 1-based): chr6:52,054,103, G>A on the plus strand (C>T on the coding strand, the complement: PKHD1 is on the minus strand). VCF-style: chr6-52054103-G-A. GRCh37 (hg19) VCF-style: chr6-51918901-G-A.
Other names: c.1899C>T, p.Ile633= (NM_170724.3); c.1899C>T (NM_138694.3).
Identifiers: ClinVar variation 1086722 (VCV001086722.15), dbSNP rs751853495, ClinGen allele CA3853402.

ClinVar aggregate classification (germline): Likely benign. Review status: criteria provided, multiple submitters, no conflicts (2 of 4 stars). 3 submissions from 3 submitters: Likely benign (2). 1 of the submissions does not count toward it. Last evaluated 2026-07-14.

Conditions:
Autosomal recessive polycystic kidney disease (ARPKD). Also called: AR polycystic kidney disease. Identifiers: Orphanet 731, Orphanet 8378, MedGen C0085548, MeSH D017044, MONDO:0009889.
PKHD1-related disorder. Also called: PKHD1-related condition.

Allele frequency attached by ClinVar (database versions not stated): TOPMed 0.00001.
gnomAD v4.1: 16 of 1,613,668 alleles (0.00099%); highest among the groups gnomAD compares: South Asian, 0.0066%; 1 homozygote.

Submissions (3):

PreventionGenetics, part of Exact Sciences
Classification: Likely benign for PKHD1-related condition. Last evaluated: 2026-07-14. Review status: criteria provided, single submitter. Criteria: ACMG Guidelines, 2015. Collection method: clinical testing. Allele origin: germline.
Comment: This variant is classified as likely benign based on ACMG/AMP sequence variant interpretation guidelines (Richards et al. 2015 PMID: 25741868, with internal and published modifications).

Labcorp Genetics (formerly Invitae), Labcorp
Classification: Likely benign for Autosomal recessive polycystic kidney disease. Last evaluated: 2024-02-05. Review status: criteria provided, single submitter. Criteria: Invitae Variant Classification Sherloc (09022015). Collection method: clinical testing. Allele origin: germline.

Natera, Inc.
Classification: Likely benign for Autosomal recessive polycystic kidney disease. Last evaluated: 2019-05-15. Review status: no assertion criteria provided. Collection method: clinical testing. Allele origin: germline. Not counted in ClinVar's aggregate classification.